The following is an entry in ClinVar:

NM_032634.4(PIGO):c.2423T>G (p.Phe808Cys)

Gene: PIGO (phosphatidylinositol glycan anchor biosynthesis class O; minus strand). Cytogenetic location: 9p13.3.
Variant type: single nucleotide variant.
Coding change: c.2423T>G on transcript NM_032634.4 (MANE Select); coding-DNA position 2423, T replaced by G.
Protein change: p.Phe808Cys; replaces phenylalanine 808 with cysteine.
Molecular consequence: missense variant. On other transcripts: intron variant (2).
Genome position (GRCh38, 1-based): chr9:35,091,464, A>C on the plus strand (T>G on the coding strand, the complement: PIGO is on the minus strand). VCF-style: chr9-35091464-A-C. GRCh37 (hg19) VCF-style: chr9-35091461-A-C.
Other names: c.1345-173T>G (NM_152850.4, NM_001201484.2); short protein forms F808C.
Identifiers: ClinVar variation 1313203 (VCV001313203.3), dbSNP rs1279229170, ClinGen allele CA373319825.

ClinVar aggregate classification (germline): Uncertain significance. Review status: criteria provided, multiple submitters, no conflicts (2 of 4 stars). 2 submissions from 2 submitters: Uncertain significance (2). Last evaluated 2025-02-14.

Conditions:
Inborn genetic diseases. Identifiers: MedGen C0950123, MeSH D030342.

Allele frequency attached by ClinVar (database versions not stated): gnomAD exomes 0.00001; gnomAD 0.00001.
gnomAD v4.1: 6 of 1,614,030 alleles (0.00037%); highest among the groups gnomAD compares: Non-Finnish European, 0.00017%; no homozygotes.

Submissions (2):

Ambry Genetics
Classification: Uncertain significance for Inborn genetic diseases. Last evaluated: 2025-02-14. Review status: criteria provided, single submitter. Criteria: Ambry Variant Classification Scheme 2023. Collection method: clinical testing. Allele origin: germline.

GeneDx
Classification: Uncertain significance. Last evaluated: 2020-01-28. Review status: criteria provided, single submitter. Criteria: GeneDx Variant Classification Process June 2021. Collection method: clinical testing. Allele origin: germline. Affected: yes.
Comment: Not observed at a significant frequency in large population cohorts (Lek et al., 2016); In silico analysis supports that this missense variant has a deleterious effect on protein structure/function; Has not been previously published as pathogenic or benign to our knowledge